The following is an entry in ClinVar:

NM_021927.3(GUF1):c.478G>C (p.Gly160Arg)

Gene: GUF1 (GTP binding elongation factor GUF1; plus strand). Cytogenetic location: 4p12.
Variant type: single nucleotide variant.
Coding change: c.478G>C on transcript NM_021927.3 (MANE Select); coding-DNA position 478, G replaced by C.
Protein change: p.Gly160Arg; replaces glycine 160 with arginine.
Molecular consequence: missense variant. On other transcripts: 5 prime UTR variant (2).
Genome position (GRCh38, 1-based): chr4:44,681,174, G>C. VCF-style: chr4-44681174-G-C. GRCh37 (hg19) VCF-style: chr4-44683191-G-C.
Other names: c.-491G>C (NM_001345867.2); c.478G>C, p.Gly160Arg (NM_001345868.2); c.-495G>C (NM_001345869.2); short protein forms G160R.
Identifiers: ClinVar variation 2787119 (VCV002787119.3), dbSNP rs2545490327, ClinGen allele CA356761360.

ClinVar aggregate classification (germline): Uncertain significance (1 of 4 stars; one submission).

Allele frequency attached by ClinVar (database versions not stated): gnomAD exomes below 0.00001.
gnomAD v4.1: 1 of 1,612,836 alleles (0.000062%); highest among the groups gnomAD compares: East Asian, 0.0022%; no homozygotes.

Submission:

Labcorp Genetics (formerly Invitae), Labcorp
Classification: Uncertain significance. Last evaluated: 2023-08-23. Review status: criteria provided, single submitter. Criteria: Invitae Variant Classification Sherloc (09022015). Collection method: clinical testing. Allele origin: germline.
Comment: Advanced modeling of protein sequence and biophysical properties (such as structural, functional, and spatial information, amino acid conservation, physicochemical variation, residue mobility, and thermodynamic stability) performed at Invitae indicates that this missense variant is expected to disrupt GUF1 protein function. This sequence change replaces glycine, which is neutral and non-polar, with arginine, which is basic and polar, at codon 160 of the GUF1 protein (p.Gly160Arg). This variant is not present in population databases (gnomAD no frequency). This variant has not been reported in the literature in individuals affected with GUF1-related conditions. In summary, the available evidence is currently insufficient to determine the role of this variant in disease. Therefore, it has been classified as a Variant of Uncertain Significance.